The following is an entry in ClinVar:

NM_170699.3(GPBAR1):c.562G>A (p.Val188Met)

Gene: GPBAR1 (G protein-coupled bile acid receptor 1; plus strand). Cytogenetic location: 2q35.
Variant type: single nucleotide variant.
Coding change: c.562G>A on transcript NM_170699.3 (MANE Select); coding-DNA position 562, G replaced by A.
Protein change: p.Val188Met; replaces valine 188 with methionine.
Molecular consequence: missense variant.
Genome position (GRCh38, 1-based): chr2:218,263,286, G>A. VCF-style: chr2-218263286-G-A. GRCh37 (hg19) VCF-style: chr2-219128009-G-A.
Other names: c.562G>A, p.Val188Met (NM_001077191.2, NM_001077194.2, NM_001321950.2); c.562G>A (NM_001077191.1, NM_001321950.1); short protein forms V188M.
Identifiers: ClinVar variation 594764 (VCV000594764.9), dbSNP rs199637113, ClinGen allele CA2102619.

ClinVar aggregate classification (germline): Uncertain significance. Review status: criteria provided, multiple submitters, no conflicts (2 of 4 stars). 3 submissions from 3 submitters: Uncertain significance (2). 1 of the submissions does not count toward it. Last evaluated 2022-07-12.

Conditions:
GPBAR1-related disorder. Also called: GPBAR1-related condition.

Allele frequency attached by ClinVar (database versions not stated): 1000 Genomes Project 30x 0.00016; gnomAD exomes 0.00033; TOPMed 0.00024; ESP Exome Variant Server 0.00008; ExAC 0.00026.
gnomAD v4.1: 238 of 1,606,988 alleles (0.015%); highest among the groups gnomAD compares: Admixed American, 0.055%; no homozygotes.

Submissions (3):

Ambry Genetics
Classification: Uncertain significance. Last evaluated: 2022-07-12. Review status: criteria provided, single submitter. Criteria: Ambry Variant Classification Scheme 2023. Collection method: clinical testing. Allele origin: germline.

Eurofins Ntd Llc (ga)
Classification: Uncertain significance. Last evaluated: 2017-10-30. Review status: criteria provided, single submitter. Criteria: EGL Classification Definitions 2015. Collection method: clinical testing. Allele origin: germline. Observed: 1 variant allele, 1 heterozygote.

PreventionGenetics, part of Exact Sciences
Classification: Likely benign for GPBAR1-related condition. Last evaluated: 2021-12-16. Review status: no assertion criteria provided. Collection method: clinical testing. Allele origin: germline. Not counted in ClinVar's aggregate classification.
Comment: This variant is classified as likely benign based on ACMG/AMP sequence variant interpretation guidelines (Richards et al. 2015 PMID: 25741868, with internal and published modifications).